The following is an entry in ClinVar:

ClinVar aggregate classification (germline): Uncertain significance (1 of 4 stars; one submission).

Submission:

Labcorp Genetics (formerly Invitae), Labcorp
Classification: Uncertain significance. Last evaluated: 2021-08-19. Review status: criteria provided, single submitter. Criteria: Invitae Variant Classification Sherloc (09022015). Collection method: clinical testing. Allele origin: germline.
Comment: Algorithms developed to predict the effect of missense changes on protein structure and function are either unavailable or do not agree on the potential impact of this missense change (SIFT: "Deleterious"; PolyPhen-2: "Probably Damaging"; Align-GVGD: "Class C0"). This variant has not been reported in the literature in individuals affected with ARHGEF18-related conditions. This variant is not present in population databases (ExAC no frequency). This sequence change replaces lysine with threonine at codon 99 of the ARHGEF18 protein (p.Lys99Thr). The lysine residue is moderately conserved and there is a moderate physicochemical difference between lysine and threonine. In summary, the available evidence is currently insufficient to determine the role of this variant in disease. Therefore, it has been classified as a Variant of Uncertain Significance.

NM_001367823.1(ARHGEF18):c.968-108A>C

Gene: ARHGEF18 (Rho/Rac guanine nucleotide exchange factor 18; plus strand). Cytogenetic location: 19p13.2.
Variant type: single nucleotide variant.
Coding change: c.968-108A>C on transcript NM_001367823.1 (MANE Select); 108 bases into the intron before coding-DNA position 968, A replaced by C.
Molecular consequence: intron variant. On other transcripts: missense variant (1), 5 prime UTR variant (1).
Genome position (GRCh38, 1-based): chr19:7,440,236, A>C. VCF-style: chr19-7440236-A-C. GRCh37 (hg19) VCF-style: chr19-7505122-A-C.
Other names: c.134A>C, p.Lys45Thr (NM_001130955.2); c.-179A>C (NM_001367824.1); c.-71-108A>C (NM_015318.4); short protein forms K45T.
Identifiers: ClinVar variation 1513844 (VCV001513844.6), dbSNP rs2145772028, ClinGen allele CA403094673.